The following is an entry in ClinVar:

NM_001042432.2(CLN3):c.197A>G (p.Lys66Arg)

Gene: CLN3 (CLN3 lysosomal/endosomal transmembrane protein, battenin; minus strand). Cytogenetic location: 16p12.1.
Variant type: single nucleotide variant.
Coding change: c.197A>G on transcript NM_001042432.2 (MANE Select); coding-DNA position 197, A replaced by G.
Protein change: p.Lys66Arg; replaces lysine 66 with arginine.
Molecular consequence: missense variant. On other transcripts: 5 prime UTR variant (1).
Genome position (GRCh38, 1-based): chr16:28,489,315, T>C on the plus strand (A>G on the coding strand, the complement: CLN3 is on the minus strand). VCF-style: chr16-28489315-T-C. GRCh37 (hg19) VCF-style: chr16-28500636-T-C.
Other names: c.197A>G (NM_001042432.1); c.197A>G, p.Lys66Arg (NM_000086.2, NM_001286104.2); c.-24A>G (NM_001286105.2); c.35A>G, p.Lys12Arg (NM_001286109.2, NM_001286110.2); short protein forms K12R, K66R.
Identifiers: ClinVar variation 1349615 (VCV001349615.6), dbSNP rs769447444, ClinGen allele CA7981031.
Genomic context (GRCh38, chr16:28,489,315, plus strand): 5'-ACTAACCATGGTGGTGGTGGTAGAGAGTCACTTACATGGCTCTGGTTTCCCGATGTCCTC[T>C]TGTGGCTAAGGATGTCGTGGGCGGCACTCAGCATCACCACATAAGAGAAGTTGTTGCAAA-3'
Protein context (NP_001035897.1, residues 56-76): LSAAHDILSH[Lys66Arg]RTSGNQSHVD

ClinVar aggregate classification (germline): Uncertain significance. Review status: criteria provided, multiple submitters, no conflicts (2 of 4 stars). 2 submissions from 2 submitters: Uncertain significance (2). Last evaluated 2022-10-03.

Conditions:
Inborn genetic diseases. Identifiers: MedGen C0950123, MeSH D030342.
Neuronal ceroid lipofuscinosis. Also called: Neuronal Ceroid Lipofuscinoses. Identifiers: Orphanet 216, Orphanet 79263, MedGen C0027877, MONDO:0016295. Disease mechanism: loss of function.

Allele frequency attached by ClinVar (database versions not stated): gnomAD exomes below 0.00001 and 0.00001; ExAC 0.00002; gnomAD 0.00002.
gnomAD v4.1: 6 of 1,613,398 alleles (0.00037%); highest among the groups gnomAD compares: East Asian, 0.0045%; no homozygotes.

Submissions (2):

Ambry Genetics
Classification: Uncertain significance for Inborn genetic diseases. Last evaluated: 2022-10-03. Review status: criteria provided, single submitter. Criteria: Ambry Variant Classification Scheme 2023. Collection method: clinical testing. Allele origin: germline.

Labcorp Genetics (formerly Invitae), Labcorp
Classification: Uncertain significance for Neuronal ceroid lipofuscinosis. Last evaluated: 2022-08-19. Review status: criteria provided, single submitter. Criteria: Invitae Variant Classification Sherloc (09022015). Collection method: clinical testing. Allele origin: germline.
Comment: This sequence change replaces lysine, which is basic and polar, with arginine, which is basic and polar, at codon 66 of the CLN3 protein (p.Lys66Arg). This variant is present in population databases (rs769447444, gnomAD 0.01%). This variant has not been reported in the literature in individuals affected with CLN3-related conditions. ClinVar contains an entry for this variant (Variation ID: 1349615). Algorithms developed to predict the effect of missense changes on protein structure and function (SIFT, PolyPhen-2, Align-GVGD) all suggest that this variant is likely to be tolerated. In summary, the available evidence is currently insufficient to determine the role of this variant in disease. Therefore, it has been classified as a Variant of Uncertain Significance.